The following is an entry in ClinVar:

ClinVar aggregate classification (germline): Uncertain significance (1 of 4 stars; one submission).

Submission:

Labcorp Genetics (formerly Invitae), Labcorp
Classification: Uncertain significance. Last evaluated: 2025-02-20. Review status: criteria provided, single submitter. Criteria: Invitae Variant Classification Sherloc (09022015). Collection method: clinical testing. Allele origin: germline.
Comment: This sequence change replaces valine, which is neutral and non-polar, with alanine, which is neutral and non-polar, at codon 183 of the YARS2 protein (p.Val183Ala). This variant is not present in population databases (gnomAD no frequency). This variant has not been reported in the literature in individuals affected with YARS2-related conditions. Invitae Evidence Modeling of protein sequence and biophysical properties (such as structural, functional, and spatial information, amino acid conservation, physicochemical variation, residue mobility, and thermodynamic stability) has been performed for this missense variant. However, the output from this modeling did not meet the statistical confidence thresholds required to predict the impact of this variant on YARS2 protein function. In summary, the available evidence is currently insufficient to determine the role of this variant in disease. Therefore, it has been classified as a Variant of Uncertain Significance.

NM_001040436.3(YARS2):c.548T>C (p.Val183Ala)

Gene: YARS2 (tyrosyl-tRNA synthetase 2; minus strand). Cytogenetic location: 12p11.21.
Variant type: single nucleotide variant.
Coding change: c.548T>C on transcript NM_001040436.3 (MANE Select); coding-DNA position 548, T replaced by C.
Protein change: p.Val183Ala; replaces valine 183 with alanine.
Molecular consequence: missense variant.
Genome position (GRCh38, 1-based): chr12:32,755,327, A>G on the plus strand (T>C on the coding strand, the complement: YARS2 is on the minus strand). VCF-style: chr12-32755327-A-G. GRCh37 (hg19) VCF-style: chr12-32908261-A-G.
Other names: short protein forms V183A.
Identifiers: ClinVar variation 4779778 (VCV004779778.1).